The following is an entry in ClinVar:

NM_005245.4(FAT1):c.12622C>T (p.Arg4208Trp)

Gene: FAT1 (FAT atypical cadherin 1; minus strand). Cytogenetic location: 4q35.2.
Variant type: single nucleotide variant.
Coding change: c.12622C>T on transcript NM_005245.4 (MANE Select); coding-DNA position 12622, C replaced by T.
Protein change: p.Arg4208Trp; replaces arginine 4208 with tryptophan.
Molecular consequence: missense variant.
Genome position (GRCh38, 1-based): chr4:186,596,918, G>A on the plus strand (C>T on the coding strand, the complement: FAT1 is on the minus strand). VCF-style: chr4-186596918-G-A. GRCh37 (hg19) VCF-style: chr4-187518072-G-A.
Other names: c.12622C>T (NM_005245.3); short protein forms R4208W.
Identifiers: ClinVar variation 1049117 (VCV001049117.6), dbSNP rs201960763, ClinGen allele CA3164773.

ClinVar aggregate classification (germline): Uncertain significance. Review status: criteria provided, single submitter (1 of 4 stars). 3 submissions from 3 submitters: Uncertain significance (1). 2 of the submissions do not count toward it. Last evaluated 2023-12-22.

Conditions:
FAT1-related disorder. Also called: FAT1-related condition.

Allele frequency attached by ClinVar (database versions not stated): TOPMed 0.00090; ESP Exome Variant Server 0.00092; gnomAD 0.00093 and 0.00103; ExAC 0.00103.
gnomAD v4.1: 2,375 of 1,613,798 alleles (0.15%); highest among the groups gnomAD compares: Non-Finnish European, 0.19%; 5 homozygotes.

Submissions (3):

Labcorp Genetics (formerly Invitae), Labcorp
Classification: Uncertain significance. Last evaluated: 2023-12-22. Review status: criteria provided, single submitter. Criteria: Invitae Variant Classification Sherloc (09022015). Collection method: clinical testing. Allele origin: germline.
Comment: This sequence change replaces arginine, which is basic and polar, with tryptophan, which is neutral and slightly polar, at codon 4208 of the FAT1 protein (p.Arg4208Trp). This variant is present in population databases (rs201960763, gnomAD 0.2%), and has an allele count higher than expected for a pathogenic variant. This variant has not been reported in the literature in individuals affected with FAT1-related conditions. ClinVar contains an entry for this variant (Variation ID: 1049117). An algorithm developed to predict the effect of missense changes on protein structure and function (PolyPhen-2) suggests that this variant is likely to be disruptive. In summary, the available evidence is currently insufficient to determine the role of this variant in disease. Therefore, it has been classified as a Variant of Uncertain Significance.

PreventionGenetics, part of Exact Sciences
Classification: Likely benign for FAT1-related condition. Last evaluated: 2022-05-05. Review status: no assertion criteria provided. Collection method: clinical testing. Allele origin: germline. Not counted in ClinVar's aggregate classification.
Comment: This variant is classified as likely benign based on ACMG/AMP sequence variant interpretation guidelines (Richards et al. 2015 PMID: 25741868, with internal and published modifications).

Department of Pathology and Laboratory Medicine, Sinai Health System
Classification: Uncertain significance. Review status: no assertion criteria provided. Collection method: clinical testing. Allele origin: unknown. Affected: yes. Study: The Canadian Open Genetics Repository (COGR). Not counted in ClinVar's aggregate classification.
Comment: The FAT1 p.Arg4208Trp variant was found in the literature in patient breast and pancreatic tumor samples, however the variant has not been reported as a germline variant to our knowledge (Castro_2016_PMID:27721756; Jiang_2018_PMID:29642553). The variant was identified in dbSNP (ID: rs201960763) but was not identified in ClinVar. The variant was identified in control databases in 229 of 280646 chromosomes at a frequency of 0.000816 increasing the likelihood this could be a low frequency benign variant (Genome Aggregation Database March 6, 2019, v2.1.1). The variant was observed in the following populations: European (non-Finnish) in 195 of 128434 chromosomes (freq: 0.001518), Other in 10 of 7138 chromosomes (freq: 0.001401), European (Finnish) in 19 of 25020 chromosomes (freq: 0.000759) and African in 5 of 24192 chromosomes (freq: 0.000207), but was not observed in the Latino, Ashkenazi Jewish, East Asian, or South Asian populations. Although the p.Arg4208 residue is not conserved in mammals and other organisms, computational analyses (PolyPhen-2, SIFT, AlignGVGD, BLOSUM, MutationTaster) suggest that the variant may impact the protein. The variant occurs outside of the splicing consensus sequence and in silico or computational prediction software programs (SpliceSiteFinder, MaxEntScan, NNSPLICE, GeneSplicer) do not predict a difference in splicing. In summary, based on the above information the clinical significance of this variant cannot be determined with certainty at this time. This variant is classified as a variant of uncertain significance.